The following is an entry in ClinVar:

ClinVar aggregate classification (germline): other (0 of 4 stars; one submission).

Conditions:
Familial colorectal cancer. Identifiers: MedGen CN280943, MONDO:0023113. Disease mechanism: loss of function.

Submission:

Systems Biology Platform Zhejiang California International NanoSystems Institute
Classification: other for Familial colorectal cancer. Review status: no assertion criteria provided. Collection method: not provided. Allele origin: unknown.
ClinVar note: Converted during submission from cancer to other.

NM_000038.6(APC):c.645+3714G>A

Gene: APC (APC regulator of WNT signaling pathway; plus strand). Cytogenetic location: 5q22.2.
Variant type: single nucleotide variant.
Coding change: c.645+3714G>A on transcript NM_000038.6 (MANE Select); 3714 bases into the intron after coding-DNA position 645, G replaced by A.
Molecular consequence: intron variant.
Genome position (GRCh38, 1-based): chr5:112,784,617, G>A. VCF-style: chr5-112784617-G-A. GRCh37 (hg19) VCF-style: chr5-112120314-G-A.
Other names: c.645+3714G>A (NM_001354895.2, NM_001127510.3, NM_001354896.2 and 2 more transcripts); c.675+3714G>A (NM_001354897.2, NM_001354902.2, NM_001127511.3); c.570+3714G>A (NM_001354898.2, NM_001354904.2); c.-391+3714G>A (NM_001354906.2); c.468+3714G>A (NM_001354900.2, NM_001354901.2, NM_001354905.2).
Identifiers: ClinVar variation 82448 (VCV000082448.2), dbSNP rs77675119, ClinGen allele CA011459.
Genomic context (GRCh38, chr5:112,784,617, plus strand): 5'-AATAGTATGCAAGCTATTATAAAATACCATACTGAGAATAGTGGGAATATGGTAGCCAAA[G>A]CACTCCTTTCCCTCCTAACTCCCTGCTTGGGTGATTCAGCAAGTGAAACAAGAACGGCCC-3'